The following is an entry in ClinVar:

NC_000011.9:g.(?_44129235)_(44129808_?)del

Gene: EXT2 (exostosin glycosyltransferase 2; plus strand). Cytogenetic location: 11p11.2.
Variant type: Deletion.
Identifiers: ClinVar variation 1460366 (VCV001460366.7).

ClinVar aggregate classification (germline): Pathogenic (1 of 4 stars; one submission).

Conditions:
Exostoses, multiple, type 2 (EXT2). Also called: Hereditary Multiple Osteochondromatosis, Type II; EXOSTOSES, MULTIPLE, TYPE II. Identifiers: Orphanet 321, MedGen C1851413, MONDO:0007586, OMIM 133701.

Submission:

Labcorp Genetics (formerly Invitae), Labcorp
Classification: Pathogenic for Exostoses, multiple, type 2. Last evaluated: 2021-03-24. Review status: criteria provided, single submitter. Criteria: Invitae Variant Classification Sherloc (09022015). Collection method: clinical testing. Allele origin: germline.
Comment: For these reasons, this variant has been classified as Pathogenic. Deletion of exon 2 ‚Äãhas been observed in individual(s) with multiple osteochondromas (PMID: 15221792, 21703028) This variant is a gross deletion of the genomic region encompassing exon(s) 2 of the EXT2 gene, which includes the initiator codon. The 5' end of this event is unknown as it extends beyond the assayed region for this gene and therefore may encompass additional genes. The 3' boundary is likely confined to intron 2 of the EXT2 gene. It is expected to result in an absent or disrupted protein product. Loss-of-function variants in EXT2 are known to be pathogenic (PMID: 10679937, 19810120).

Literature cited by the submitters: PubMed 15221792; PubMed 21703028; PubMed 10679937; PubMed 19810120.